The following is an entry in ClinVar:

NM_003321.5(TUFM):c.376G>A (p.Ala126Thr)

Gene: TUFM (Tu translation elongation factor, mitochondrial; minus strand). Cytogenetic location: 16p11.2.
Variant type: single nucleotide variant.
Coding change: c.376G>A on transcript NM_003321.5 (MANE Select); coding-DNA position 376, G replaced by A.
Protein change: p.Ala126Thr; replaces alanine 126 with threonine.
Molecular consequence: missense variant.
Genome position (GRCh38, 1-based): chr16:28,845,352, C>T on the plus strand (G>A on the coding strand, the complement: TUFM is on the minus strand). VCF-style: chr16-28845352-C-T. GRCh37 (hg19) VCF-style: chr16-28856673-C-T.
Other names: c.376G>A, p.Ala126Thr (NM_001365360.2); short protein forms A126T.
Identifiers: ClinVar variation 1421446 (VCV001421446.6), dbSNP rs1017675651, ClinGen allele CA395418178.

ClinVar aggregate classification (germline): Uncertain significance (1 of 4 stars; one submission).

gnomAD v4.1: 1 of 1,614,130 alleles (0.000062%); highest among the groups gnomAD compares: Non-Finnish European, 0.000085%; no homozygotes.

Submission:

Labcorp Genetics (formerly Invitae), Labcorp
Classification: Uncertain significance. Last evaluated: 2021-12-03. Review status: criteria provided, single submitter. Criteria: Invitae Variant Classification Sherloc (09022015). Collection method: clinical testing. Allele origin: germline.
Comment: In summary, the available evidence is currently insufficient to determine the role of this variant in disease. Therefore, it has been classified as a Variant of Uncertain Significance. Algorithms developed to predict the effect of missense changes on protein structure and function are either unavailable or do not agree on the potential impact of this missense change (SIFT: "Tolerated"; PolyPhen-2: "Possibly Damaging"; Align-GVGD: "Class C0"). This variant has not been reported in the literature in individuals affected with TUFM-related conditions. This variant is not present in population databases (gnomAD no frequency). This sequence change replaces alanine, which is neutral and non-polar, with threonine, which is neutral and polar, at codon 126 of the TUFM protein (p.Ala126Thr).